The following is an entry in ClinVar:

NM_000398.7(CYB5R3):c.361T>C (p.Phe121Leu)

Gene: CYB5R3 (cytochrome b5 reductase 3; minus strand). Cytogenetic location: 22q13.2.
Variant type: single nucleotide variant.
Coding change: c.361T>C on transcript NM_000398.7 (MANE Select); coding-DNA position 361, T replaced by C.
Protein change: p.Phe121Leu; replaces phenylalanine 121 with leucine.
Molecular consequence: missense variant.
Genome position (GRCh38, 1-based): chr22:42,628,254, A>G on the plus strand (T>C on the coding strand, the complement: CYB5R3 is on the minus strand). VCF-style: chr22-42628254-A-G. GRCh37 (hg19) VCF-style: chr22-43024260-A-G.
Other names: c.292T>C, p.Phe98Leu (NM_001129819.2, NM_001171661.1, NM_007326.4); c.460T>C, p.Phe154Leu (NM_001171660.2); short protein forms F121L, F154L, F98L.
Identifiers: ClinVar variation 3572686 (VCV003572686.2).

ClinVar aggregate classification (germline): Uncertain significance (1 of 4 stars; one submission).

Submission:

GeneDx
Classification: Uncertain significance. Last evaluated: 2025-03-28. Review status: criteria provided, single submitter. Criteria: GeneDx Variant Classification Process June 2021. Collection method: clinical testing. Allele origin: germline.
Comment: Not observed at significant frequency in large population cohorts (gnomAD); In silico analysis supports that this missense variant has a deleterious effect on protein structure/function; Has not been previously published as pathogenic or benign to our knowledge